The following is an entry in ClinVar:

ClinVar aggregate classification (germline): Pathogenic. Review status: criteria provided, multiple submitters, no conflicts (2 of 4 stars). 3 submissions from 3 submitters: Pathogenic (2). 1 of the submissions does not count toward it. Last evaluated 2025-10-28.

Conditions:
Psychomotor regression-oculomotor apraxia-movement disorder-nephropathy syndrome (BILAPES). Also called: Birk-Landau-Perez syndrome. Identifiers: Orphanet 505242, MedGen C4539828, MONDO:0044726, OMIM 617595.

Submissions (3):

3billion
Classification: Pathogenic for Psychomotor regression-oculomotor apraxia-movement disorder-nephropathy syndrome. Last evaluated: 2025-10-28. Review status: criteria provided, single submitter. Criteria: ACMG Guidelines, 2015. Collection method: clinical testing. Allele origin: germline. Affected: yes.
Comment: The variant is not observed in the gnomAD v4.1.0 dataset. Predicted Consequence/Location: Inframe deletion located in a nonrepeat region: predicted to change the length of the protein and disrupt normal protein function. Functional studies provide moderate evidence of the variant having a damaging effect on the gene or gene product (PMID: 28334855). The variant has been reported to co-segregate with the disease in at least 5 similarly affected relatives/individuals in the same family or similarly affected unrelated families (PMID: 28334855). The variant has been reported at least twice as pathogenic without evidence for the classification (ClinVar ID: VCV000431049 /PMID: 28334855). Therefore, this variant is classified as Pathogenic according to the recommendation of ACMG/AMP guideline.

UAEU Genomics Laboratory, United Arab Emirates University
Classification: Pathogenic for Psychomotor regression-oculomotor apraxia-movement disorder-nephropathy syndrome. Last evaluated: 2023-04-08. Review status: criteria provided, single submitter. Criteria: ACMG Guidelines, 2015. Collection method: research. Allele origin: germline. Inheritance: Autosomal recessive inheritance. Affected: yes. Observed: 1 homozygote.
Comment: The in-frame deletion NM_006345.4(SLC30A9):c.1049_1051delCAG (p.Ala350del) has been reported previously in 6 individuals from a Bedouin kindred affected with Birk-Landau-Perez syndrome (Perez et al., 2017). This variant is not present in gnomAD database (Karczewski et al., 2020) and Middle Eastern specific databases (Koshy et al., 2017). The removed amino acid is highly conserved and is located at the predicted cation-efflux domain of the mature SLC30A9 protein. In vitro functional studies in human neuroblastoma cells showed a significant decrease in cytosolic free Zn2+ levels in cells expressing the mutant compared to the wild type. (Perez et al., 2017).Further, in CRISPR-Cas9 knockout (SLC30A9 -/-) cell lines, functional complementation of the p.Ala350Del variant failed to restore the functional defect caused by genetic ablation of SLC30A9, indicating that the p.Ala350Del variant is a loss-of-function allele (Deng et al., 2021). Aggregating all the available evidence (PM2, PM1, PS3, PP1_strong), this variant has been classified as Pathogenic.

OMIM
Classification: Pathogenic for BIRK-LANDAU-PEREZ SYNDROME. Last evaluated: 2022-05-04. Review status: no assertion criteria provided. Collection method: literature only. Allele origin: germline. Not counted in ClinVar's aggregate classification.

Literature cited by the submitters: PubMed 28334855 (cited by 3 submitters); PubMed 34433664 (cited by UAEU Genomics Laboratory, United Arab Emirates University); PubMed 28638141 (cited by UAEU Genomics Laboratory, United Arab Emirates University).

NM_006345.4(SLC30A9):c.1049_1051del (p.Ala350del)

Gene: SLC30A9 (solute carrier family 30 member 9; plus strand). Cytogenetic location: 4p13.
Variant type: Deletion.
Coding change: c.1049_1051del on transcript NM_006345.4 (MANE Select); coding-DNA positions 1049 to 1051, 3 bases deleted (CAG; older notation c.1049_1051delCAG).
Protein change: p.Ala350del; deletes alanine 350.
Molecular consequence: inframe deletion.
Genome position (GRCh38, 1-based): chr4:42,065,326-42,065,328, CAG deleted; deleting any 3 consecutive bases within chr4:42,065,324-42,065,328 gives the same sequence; the c. name uses the placement nearest the transcript's 3' end. VCF-style (leftmost placement, unchanged base first): chr4-42065323-TAGC-T. GRCh37 (hg19) VCF-style: chr4-42067340-TAGC-T.
Other names: c.1047_1049delGCA (NM_006345.3); c.1049_1051delCAG (NM_006345.4); short protein forms A350del.
Identifiers: ClinVar variation 431049 (VCV000431049.6), dbSNP rs1131692331, ClinGen allele CA645372394.